The following is an entry in ClinVar:

ClinVar aggregate classification (germline): Uncertain significance (1 of 4 stars; one submission).

Conditions:
Joubert syndrome. Also called: Familial aplasia of the vermis; JOUBERT-BOLTSHAUSER SYNDROME. Identifiers: Orphanet 475, MedGen C5979921, MONDO:0018772.
Meckel-Gruber syndrome. Also called: Dysencephalia splachnocystica; DYSENCEPHALIA SPLANCHNOCYSTICA; GRUBER SYNDROME. Identifiers: Orphanet 564, MedGen C0265215, MONDO:0018921.

Allele frequency attached by ClinVar (database versions not stated): gnomAD exomes below 0.00001; TOPMed below 0.00001; ExAC 0.00001.
gnomAD v4.1: 6 of 1,613,404 alleles (0.00037%); highest among the groups gnomAD compares: South Asian, 0.0055%; no homozygotes.

Submission:

Labcorp Genetics (formerly Invitae), Labcorp
Classification: Uncertain significance for Joubert syndrome; Meckel-Gruber syndrome. Last evaluated: 2022-06-27. Review status: criteria provided, single submitter. Criteria: Invitae Variant Classification Sherloc (09022015). Collection method: clinical testing. Allele origin: germline.
Comment: This sequence change replaces threonine, which is neutral and polar, with methionine, which is neutral and non-polar, at codon 576 of the CC2D2A protein (p.Thr576Met). This variant is present in population databases (rs767766478, gnomAD 0.0009%). This variant has not been reported in the literature in individuals affected with CC2D2A-related conditions. Advanced modeling of protein sequence and biophysical properties (such as structural, functional, and spatial information, amino acid conservation, physicochemical variation, residue mobility, and thermodynamic stability) performed at Invitae indicates that this missense variant is not expected to disrupt CC2D2A protein function. In summary, the available evidence is currently insufficient to determine the role of this variant in disease. Therefore, it has been classified as a Variant of Uncertain Significance.

NM_001378615.1(CC2D2A):c.1727C>T (p.Thr576Met)

Genes: CC2D2A (coiled-coil and C2 domain containing 2A; plus strand), FBXL5 (F-box and leucine rich repeat protein 5; minus strand). Cytogenetic location: 4p15.32.
Variant type: single nucleotide variant.
Coding change: c.1727C>T on transcript NM_001378615.1 (MANE Select); coding-DNA position 1727, C replaced by T.
Protein change: p.Thr576Met; replaces threonine 576 with methionine.
Molecular consequence: missense variant.
Genome position (GRCh38, 1-based): chr4:15,537,039, C>T. VCF-style: chr4-15537039-C-T. GRCh37 (hg19) VCF-style: chr4-15538662-C-T.
Other names: c.1727C>T, p.Thr576Met (NM_001080522.2); c.1580C>T, p.Thr527Met (NM_001378617.1); short protein forms T576M, T527M.
Identifiers: ClinVar variation 1966583 (VCV001966583.2), dbSNP rs767766478, ClinGen allele CA2863742.